The following is an entry in ClinVar:

NM_000455.5(STK11):c.290+15C>T

Gene: STK11 (serine/threonine kinase 11; plus strand). Cytogenetic location: 19p13.3.
Variant type: single nucleotide variant.
Coding change: c.290+15C>T on transcript NM_000455.5 (MANE Select); 15 bases into the intron after coding-DNA position 290, C replaced by T.
Molecular consequence: intron variant.
Genome position (GRCh38, 1-based): chr19:1,207,218, C>T. VCF-style: chr19-1207218-C-T. GRCh37 (hg19) VCF-style: chr19-1207217-C-T.
Identifiers: ClinVar variation 378675 (VCV000378675.12), dbSNP rs1057520378, ClinGen allele CA16608069.

ClinVar aggregate classification (germline): Likely benign. Review status: criteria provided, multiple submitters, no conflicts (2 of 4 stars). 4 submissions from 4 submitters: Likely benign (4). Last evaluated 2026-01-13.

Conditions:
Hereditary cancer-predisposing syndrome. Also called: Hereditary neoplastic syndrome; Tumor predisposition; Neoplastic Syndromes, Hereditary; Hereditary Cancer Syndrome. Identifiers: Orphanet 140162, MedGen C0027672, MeSH D009386, MONDO:0015356.
Peutz-Jeghers syndrome (PJS). Also called: Peutz-Jeghers polyposis; Periorificial lentiginosis syndrome; POLYPOSIS, HAMARTOMATOUS INTESTINAL; POLYPS-AND-SPOTS SYNDROME. Identifiers: Orphanet 2869, MedGen C0031269, MeSH D010580, MONDO:0008280, OMIM 175200.

Allele frequency attached by ClinVar (database versions not stated): gnomAD 0.00001; gnomAD exomes 0.00001; TOPMed 0.00002.

Submissions (4):

Labcorp Genetics (formerly Invitae), Labcorp
Classification: Likely benign for Peutz-Jeghers syndrome. Last evaluated: 2026-01-13. Review status: criteria provided, single submitter. Criteria: Invitae Variant Classification Sherloc (09022015). Collection method: clinical testing. Allele origin: germline.

Molecular Pathology, Peter Maccallum Cancer Centre
Classification: Likely benign for Peutz-Jeghers syndrome. Last evaluated: 2024-10-22. Review status: criteria provided, single submitter. Criteria: ACMG Guidelines, 2015. Collection method: clinical testing. Allele origin: germline. Inheritance: Autosomal dominant inheritance.

GeneDx
Classification: Likely benign. Last evaluated: 2017-06-29. Review status: criteria provided, single submitter. Criteria: GeneDx Variant Classification (06012015). Collection method: clinical testing. Allele origin: germline. Affected: yes.
Comment: This variant is considered likely benign or benign based on one or more of the following criteria: it is a conservative change, it occurs at a poorly conserved position in the protein, it is predicted to be benign by multiple in silico algorithms, and/or has population frequency not consistent with disease.

Color Diagnostics, LLC DBA Color Health
Classification: Likely benign for Hereditary cancer-predisposing syndrome. Last evaluated: 2016-12-01. Review status: criteria provided, single submitter. Criteria: ACMG Guidelines, 2015. Collection method: clinical testing. Allele origin: germline.